The following is an entry in ClinVar:

NM_080732.4(EGLN2):c.338G>A (p.Arg113Gln)

Genes: EGLN2 (egl-9 family hypoxia inducible factor 2; plus strand), RAB4B-EGLN2 (RAB4B-EGLN2 readthrough (NMD candidate); plus strand). Cytogenetic location: 19q13.2.
Variant type: single nucleotide variant.
Coding change: c.338G>A on transcript NM_080732.4 (MANE Select); coding-DNA position 338, G replaced by A.
Protein change: p.Arg113Gln; replaces arginine 113 with glutamine.
Molecular consequence: missense variant. On other transcripts: non-coding transcript variant (1).
Genome position (GRCh38, 1-based): chr19:40,800,910, G>A. VCF-style: chr19-40800910-G-A. GRCh37 (hg19) VCF-style: chr19-41306815-G-A.
Other names: c.338G>A, p.Arg113Gln (NM_053046.4); short protein forms R113Q.
Identifiers: ClinVar variation 1730887 (VCV001730887.3), dbSNP rs760974811, ClinGen allele CA9452193.

ClinVar aggregate classification (germline): Uncertain significance (1 of 4 stars; one submission).

Allele frequency attached by ClinVar (database versions not stated): ExAC 0.00001; gnomAD 0.00001; gnomAD exomes 0.00001.
gnomAD v4.1: 11 of 1,609,478 alleles (0.00068%); highest among the groups gnomAD compares: African/African-American, 0.0013%; no homozygotes.

Submission:

Ambry Genetics
Classification: Uncertain significance. Last evaluated: 2024-06-26. Review status: criteria provided, single submitter. Criteria: Ambry Variant Classification Scheme 2023. Collection method: clinical testing. Allele origin: germline.
Comment: The p.R113Q variant (also known as c.338G>A), located in coding exon 1 of the EGLN2 gene, results from a G to A substitution at nucleotide position 338. The arginine at codon 113 is replaced by glutamine, an amino acid with highly similar properties. This amino acid position is conserved. In addition, this alteration is predicted to be tolerated by in silico analysis. Since supporting evidence is limited at this time, the clinical significance of this alteration remains unclear.